The following is an entry in ClinVar:

ClinVar aggregate classification (germline): Uncertain significance (1 of 4 stars; one submission).

Conditions:
Ataxia-telangiectasia syndrome (AT). Also called: Cerebello-oculocutaneous telangiectasia; ATAXIA-TELANGIECTASIA, COMPLEMENTATION GROUP A; ATAXIA-TELANGIECTASIA, FRESNO VARIANT; Ataxia-telangiectasia, complementation group D; AT, COMPLEMENTATION GROUP C; Immunodeficiency with ataxia telangiectasia. Identifiers: Orphanet 100, MedGen C0004135, MONDO:0008840, OMIM 208900.

Submission:

Labcorp Genetics (formerly Invitae), Labcorp
Classification: Uncertain significance for Ataxia-telangiectasia syndrome. Last evaluated: 2022-09-09. Review status: criteria provided, single submitter. Criteria: Invitae Variant Classification Sherloc (09022015). Collection method: clinical testing. Allele origin: germline.
Comment: In summary, the available evidence is currently insufficient to determine the role of this variant in disease. Therefore, it has been classified as a Variant of Uncertain Significance. Algorithms developed to predict the effect of missense changes on protein structure and function (SIFT, PolyPhen-2, Align-GVGD) all suggest that this variant is likely to be tolerated. This variant has not been reported in the literature in individuals affected with ATM-related conditions. This variant is not present in population databases (gnomAD no frequency). This sequence change replaces glutamine, which is neutral and polar, with histidine, which is basic and polar, at codon 1535 of the ATM protein (p.Gln1535His).

NM_000051.4(ATM):c.4605G>C (p.Gln1535His)

Gene: ATM (ATM serine/threonine kinase; plus strand). Cytogenetic location: 11q22.3.
Variant type: single nucleotide variant.
Coding change: c.4605G>C on transcript NM_000051.4 (MANE Select); coding-DNA position 4605, G replaced by C.
Protein change: p.Gln1535His; replaces glutamine 1535 with histidine.
Molecular consequence: missense variant.
Genome position (GRCh38, 1-based): chr11:108,292,787, G>C. VCF-style: chr11-108292787-G-C. GRCh37 (hg19) VCF-style: chr11-108163514-G-C.
Other names: c.4605G>C, p.Gln1535His (NM_001351834.2); short protein forms Q1535H.
Identifiers: ClinVar variation 1719057 (VCV001719057.5), dbSNP rs2135802780, ClinGen allele CA382534073.